The following is an entry in ClinVar:

NM_001368067.1(LDB3):c.515G>A (p.Gly172Glu)

Genes: LDB3 (LIM domain binding 3; plus strand), LOC110121486 (VISTA enhancer hs2143; plus strand). Cytogenetic location: 10q23.2.
Variant type: single nucleotide variant.
Coding change: c.515G>A on transcript NM_001368067.1 (MANE Plus Clinical); coding-DNA position 515, G replaced by A.
Protein change: p.Gly172Glu; replaces glycine 172 with glutamic acid.
Molecular consequence: missense variant. On other transcripts: intron variant (5).
Genome position (GRCh38, 1-based): chr10:86,687,239, G>A. VCF-style: chr10-86687239-G-A. GRCh37 (hg19) VCF-style: chr10-88446996-G-A.
Other names: c.515G>A, p.Gly172Glu (NM_001080114.2, NM_001080116.1, NM_001368066.1 and 1 more transcripts); c.860G>A, p.Gly287Glu (NM_001171610.2, NM_001171611.2); c.690-4657G>A (NM_001368064.1, NM_001368063.1, NM_007078.3 and 2 more transcripts); short protein forms G172E, G287E.
Identifiers: ClinVar variation 4534896 (VCV004534896.6).

ClinVar aggregate classification (germline): Uncertain significance (1 of 4 stars; one submission).

Submission:

CeGaT Center for Human Genetics Tuebingen
Classification: Uncertain significance. Last evaluated: 2025-10-01. Review status: criteria provided, single submitter. Criteria: CeGaT Center For Human Genetics Tuebingen Variant Classification Criteria Version 2. Collection method: clinical testing. Allele origin: germline. Affected: yes. Observed: 1 variant allele.
Comment: LDB3: PM2:Supporting, PP3